The following is an entry in ClinVar:

ClinVar aggregate classification (germline): Uncertain significance (1 of 4 stars; one submission).

Submission:

Labcorp Genetics (formerly Invitae), Labcorp
Classification: Uncertain significance. Last evaluated: 2025-02-09. Review status: criteria provided, single submitter. Criteria: Invitae Variant Classification Sherloc (09022015). Collection method: clinical testing. Allele origin: germline.
Comment: This sequence change replaces glycine, which is neutral and non-polar, with aspartic acid, which is acidic and polar, at codon 773 of the PDE6B protein (p.Gly773Asp). This variant is not present in population databases (gnomAD no frequency). This variant has not been reported in the literature in individuals affected with PDE6B-related conditions. Invitae Evidence Modeling of protein sequence and biophysical properties (such as structural, functional, and spatial information, amino acid conservation, physicochemical variation, residue mobility, and thermodynamic stability) has been performed for this missense variant. However, the output from this modeling did not meet the statistical confidence thresholds required to predict the impact of this variant on PDE6B protein function. In summary, the available evidence is currently insufficient to determine the role of this variant in disease. Therefore, it has been classified as a Variant of Uncertain Significance.

NM_000283.4(PDE6B):c.2318G>A (p.Gly773Asp)

Gene: PDE6B (phosphodiesterase 6B; plus strand). Cytogenetic location: 4p16.3.
Variant type: single nucleotide variant.
Coding change: c.2318G>A on transcript NM_000283.4 (MANE Select); coding-DNA position 2318, G replaced by A.
Protein change: p.Gly773Asp; replaces glycine 773 with aspartic acid.
Molecular consequence: missense variant.
Genome position (GRCh38, 1-based): chr4:666,580, G>A. VCF-style: chr4-666580-G-A. GRCh37 (hg19) VCF-style: chr4-660369-G-A.
Other names: c.2318G>A, p.Gly773Asp (NM_001145291.2, NM_001440547.1, NM_001440548.1); c.1481G>A, p.Gly494Asp (NM_001145292.2, NM_001350154.3, NM_001379246.1 and 1 more transcripts); c.1163G>A, p.Gly388Asp (NM_001350155.3); short protein forms G388D, G494D, G773D.
Identifiers: ClinVar variation 4746192 (VCV004746192.1).
Genomic context (GRCh38, chr4:666,580, plus strand): 5'-CCTCCCACCAGCCTATGATGGACCGGAACAAGGCGGCCGAGCTCCCCAAGCTGCAAGTGG[G>A]CTTCATCGACTTCGTGTGCACATTCGTGTACAAGGCGAGTGGTTCACGGGTGTTCCGAGC-3'
Protein context (NP_000274.3, residues 763-783): KAAELPKLQV[Gly773Asp]FIDFVCTFVY